The following is an entry in ClinVar:

NM_000540.3(RYR1):c.13741T>G (p.Tyr4581Asp)

Gene: RYR1 (ryanodine receptor 1; plus strand). Cytogenetic location: 19q13.2.
Variant type: single nucleotide variant.
Coding change: c.13741T>G on transcript NM_000540.3 (MANE Select); coding-DNA position 13741, T replaced by G.
Protein change: p.Tyr4581Asp; replaces tyrosine 4581 with aspartic acid.
Molecular consequence: missense variant.
Genome position (GRCh38, 1-based): chr19:38,570,688, T>G. VCF-style: chr19-38570688-T-G. GRCh37 (hg19) VCF-style: chr19-39061328-T-G.
Other names: c.13726T>G, p.Tyr4576Asp (NM_001042723.2); short protein forms Y4576D, Y4581D.
Identifiers: ClinVar variation 4802136 (VCV004802136.1).

ClinVar aggregate classification (germline): Uncertain significance (1 of 4 stars; one submission).

Conditions:
RYR1-related disorder. Also called: RYR1-related condition; RYR1-related disorders. Identifiers: MedGen CN239331.

Submission:

Labcorp Genetics (formerly Invitae), Labcorp
Classification: Uncertain significance for RYR1-related disorder. Last evaluated: 2025-07-06. Review status: criteria provided, single submitter. Criteria: Invitae Variant Classification Sherloc (09022015). Collection method: clinical testing. Allele origin: germline.
Comment: This sequence change replaces tyrosine, which is neutral and polar, with aspartic acid, which is acidic and polar, at codon 4581 of the RYR1 protein (p.Tyr4581Asp). This variant is not present in population databases (gnomAD no frequency). This variant has not been reported in the literature in individuals affected with RYR1-related conditions. Invitae Evidence Modeling of protein sequence and biophysical properties (such as structural, functional, and spatial information, amino acid conservation, physicochemical variation, residue mobility, and thermodynamic stability) indicates that this missense variant is expected to disrupt RYR1 protein function with a positive predictive value of 80%. In summary, the available evidence is currently insufficient to determine the role of this variant in disease. Therefore, it has been classified as a Variant of Uncertain Significance.